The following is an entry in ClinVar:

NM_206933.4(USH2A):c.13531G>A (p.Ala4511Thr)

Gene: USH2A (usherin; minus strand). Cytogenetic location: 1q41.
Variant type: single nucleotide variant.
Coding change: c.13531G>A on transcript NM_206933.4 (MANE Select); coding-DNA position 13531, G replaced by A.
Protein change: p.Ala4511Thr; replaces alanine 4511 with threonine.
Molecular consequence: missense variant.
Genome position (GRCh38, 1-based): chr1:215,674,380, C>T on the plus strand (G>A on the coding strand, the complement: USH2A is on the minus strand). VCF-style: chr1-215674380-C-T. GRCh37 (hg19) VCF-style: chr1-215847722-C-T.
Other names: short protein forms A4511T.
Identifiers: ClinVar variation 2151913 (VCV002151913.6), dbSNP rs1330021955, ClinGen allele CA344844813.
Genomic context (GRCh38, chr1:215,674,380, plus strand): 5'-CTGAGGGGCTGGTTCGATCTTTGACAAGAGGACTCAAAATACCCCCTTGGCTGTTGCTGG[C>T]AGTTACTGTGTAGCTATACTCCACACCTGGGGTGAGAGTAAAATCACGATAGCGTGTTTC-3'
Protein context (NP_996816.3, residues 4501-4521): PGVEYSYTVT[Ala4511Thr]SNSQGGILSP

ClinVar aggregate classification (germline): Likely pathogenic. Review status: criteria provided, multiple submitters, no conflicts (2 of 4 stars). 3 submissions from 3 submitters: Likely pathogenic (3). Last evaluated 2025-08-06.

Conditions:
USH2A-related disorder. Also called: USH2A-related condition; USH2A-related disorders. Identifiers: MedGen CN239332.
Retinitis pigmentosa 39 (RP39). Identifiers: Orphanet 791, MedGen C3151138, MONDO:0013436, OMIM 613809.

Allele frequency attached by ClinVar (database versions not stated): gnomAD exomes below 0.00001.
gnomAD v4.1: 2 of 1,614,098 alleles (0.00012%); highest among the groups gnomAD compares: Non-Finnish European, 0.00017%; no homozygotes.

Submissions (3):

Myriad Genetics, Inc.
Classification: Likely pathogenic for USH2A-related disorder. Last evaluated: 2025-08-06. Review status: criteria provided, single submitter. Criteria: Myriad Autosomal Dominant, Autosomal Recessive and X-Linked Classification Criteria (2023). Collection method: clinical testing. Allele origin: unknown.
Comment: NM_206933.2(USH2A):c.13531G>A(A4511T) is a missense variant classified as likely pathogenic in the context of USH2A-related disorders. A4511T has been observed in cases with relevant disease (PMID: 33302505, 37217489, 30902645, 28559085). Relevant functional assessments of this variant are not available in the literature. A4511T has not been observed in referenced population frequency databases. In summary, NM_206933.2(USH2A):c.13531G>A(A4511T) is a missense variant that has been observed more frequently in cases with the relevant disease than in healthy populations. Please note: this variant was assessed in the context of healthy population screening.

Labcorp Genetics (formerly Invitae), Labcorp
Classification: Likely pathogenic. Last evaluated: 2024-03-14. Review status: criteria provided, single submitter. Criteria: Invitae Variant Classification Sherloc (09022015). Collection method: clinical testing. Allele origin: germline.
Comment: This sequence change replaces alanine, which is neutral and non-polar, with threonine, which is neutral and polar, at codon 4511 of the USH2A protein (p.Ala4511Thr). This variant is not present in population databases (gnomAD no frequency). This missense change has been observed in individual(s) with clinical features of USH2A-related conditions and/or retinitis pigmentosa (PMID: 28559085, 33302505, 35119454). In at least one individual the data is consistent with being in trans (on the opposite chromosome) from a pathogenic variant. ClinVar contains an entry for this variant (Variation ID: 2151913). Advanced modeling of protein sequence and biophysical properties (such as structural, functional, and spatial information, amino acid conservation, physicochemical variation, residue mobility, and thermodynamic stability) has been performed at Invitae for this missense variant, however the output from this modeling did not meet the statistical confidence thresholds required to predict the impact of this variant on USH2A protein function. In summary, the currently available evidence indicates that the variant is pathogenic, but additional data are needed to prove that conclusively. Therefore, this variant has been classified as Likely Pathogenic.

Baylor Genetics
Classification: Likely pathogenic for Retinitis pigmentosa 39. Last evaluated: 2023-07-30. Review status: criteria provided, single submitter. Criteria: ACMG Guidelines, 2015. Collection method: clinical testing. Allele origin: unknown.

Literature cited by the submitters: PubMed 28559085 (cited by Myriad Genetics, Inc. and Labcorp Genetics (formerly Invitae), Labcorp); PubMed 30902645 (cited by Myriad Genetics, Inc.); PubMed 33302505 (cited by Myriad Genetics, Inc. and Labcorp Genetics (formerly Invitae), Labcorp); PubMed 37217489 (cited by Myriad Genetics, Inc.); PubMed 35119454 (cited by Labcorp Genetics (formerly Invitae), Labcorp).